The following is an entry in ClinVar:

ClinVar aggregate classification (germline): Conflicting classifications of pathogenicity. Review status: criteria provided, conflicting classifications (1 of 4 stars). 2 submissions from 2 submitters: Uncertain significance (1); Likely benign (1). Last evaluated 2024-10-25.

Allele frequency attached by ClinVar (database versions not stated): TOPMed 0.00001.
gnomAD v4.1: 1 of 1,614,064 alleles (0.000062%); highest among the groups gnomAD compares: Non-Finnish European, 0.000085%; no homozygotes.

Submissions (2):

Ambry Genetics
Classification: Likely benign. Last evaluated: 2024-10-25. Review status: criteria provided, single submitter. Criteria: Ambry Variant Classification Scheme 2023. Collection method: clinical testing. Allele origin: germline.

Labcorp Genetics (formerly Invitae), Labcorp
Classification: Uncertain significance. Last evaluated: 2023-10-03. Review status: criteria provided, single submitter. Criteria: Invitae Variant Classification Sherloc (09022015). Collection method: clinical testing. Allele origin: germline.
Comment: This sequence change replaces glutamic acid, which is acidic and polar, with aspartic acid, which is acidic and polar, at codon 387 of the SNIP1 protein (p.Glu387Asp). This variant is not present in population databases (gnomAD no frequency). This variant has not been reported in the literature in individuals affected with SNIP1-related conditions. ClinVar contains an entry for this variant (Variation ID: 2184549). Algorithms developed to predict the effect of missense changes on protein structure and function output the following: SIFT: "Not Available"; PolyPhen-2: "Benign"; Align-GVGD: "Not Available". The aspartic acid amino acid residue is found in multiple mammalian species, which suggests that this missense change does not adversely affect protein function. In summary, the available evidence is currently insufficient to determine the role of this variant in disease. Therefore, it has been classified as a Variant of Uncertain Significance.

NM_024700.4(SNIP1):c.1161G>C (p.Glu387Asp)

Gene: SNIP1 (Smad nuclear interacting protein 1; minus strand). Cytogenetic location: 1p34.3.
Variant type: single nucleotide variant.
Coding change: c.1161G>C on transcript NM_024700.4 (MANE Select); coding-DNA position 1161, G replaced by C.
Protein change: p.Glu387Asp; replaces glutamic acid 387 with aspartic acid.
Molecular consequence: missense variant.
Genome position (GRCh38, 1-based): chr1:37,537,778, C>G on the plus strand (G>C on the coding strand, the complement: SNIP1 is on the minus strand). VCF-style: chr1-37537778-C-G. GRCh37 (hg19) VCF-style: chr1-38003379-C-G.
Other names: c.1161G>C (NM_024700.2); short protein forms E387D.
Identifiers: ClinVar variation 2184549 (VCV002184549.5), dbSNP rs950749390, ClinGen allele CA20807543.
Genomic context (GRCh38, chr1:37,537,778, plus strand): 5'-CGTGTATCAATAGTTTGGGTTCTTAGTTTGCTAGCTGTCAGACACTTCTTCCTCCTCCTC[C>G]TCATCCTCGTCATCTTTCCTGTCTATTTCAGAAGTGTCCGACGACTCATGGAGCAAGACG-3'
Protein context (NP_078976.2, residues 377-396): SEIDRKDDED[Glu387Asp]EEEEEVSDS